The following is an entry in ClinVar:

NM_030665.4(RAI1):c.3364A>G (p.Ser1122Gly)

Gene: RAI1 (retinoic acid induced 1; plus strand). Cytogenetic location: 17p11.2.
Variant type: single nucleotide variant.
Coding change: c.3364A>G on transcript NM_030665.4 (MANE Select); coding-DNA position 3364, A replaced by G.
Protein change: p.Ser1122Gly; replaces serine 1122 with glycine.
Molecular consequence: missense variant.
Genome position (GRCh38, 1-based): chr17:17,796,312, A>G. VCF-style: chr17-17796312-A-G. GRCh37 (hg19) VCF-style: chr17-17699626-A-G.
Other names: c.3364A>G (NM_030665.3); short protein forms S1122G.
Identifiers: ClinVar variation 2152578 (VCV002152578.5), dbSNP rs1452962798, ClinGen allele CA398553436.

ClinVar aggregate classification (germline): Uncertain significance. Review status: criteria provided, single submitter (1 of 4 stars). 2 submissions from 2 submitters: Uncertain significance (1). 1 of the submissions does not count toward it. Last evaluated 2022-08-05.

Conditions:
RAI1-related disorder. Also called: RAI1-related condition.

Allele frequency attached by ClinVar (database versions not stated): gnomAD exomes below 0.00001; TOPMed below 0.00001; gnomAD 0.00001.
gnomAD v4.1: 2 of 1,610,268 alleles (0.00012%); highest among the groups gnomAD compares: Admixed American, 0.0033%; no homozygotes.

Submissions (2):

Labcorp Genetics (formerly Invitae), Labcorp
Classification: Uncertain significance. Last evaluated: 2022-08-05. Review status: criteria provided, single submitter. Criteria: Invitae Variant Classification Sherloc (09022015). Collection method: clinical testing. Allele origin: germline.
Comment: This sequence change replaces serine, which is neutral and polar, with glycine, which is neutral and non-polar, at codon 1122 of the RAI1 protein (p.Ser1122Gly). In summary, the available evidence is currently insufficient to determine the role of this variant in disease. Therefore, it has been classified as a Variant of Uncertain Significance. Algorithms developed to predict the effect of missense changes on protein structure and function are either unavailable or do not agree on the potential impact of this missense change (SIFT: "Deleterious"; PolyPhen-2: "Possibly Damaging"; Align-GVGD: "Class C0"). This variant has not been reported in the literature in individuals affected with RAI1-related conditions. This variant is present in population databases (no rsID available, gnomAD 0.006%).

PreventionGenetics, part of Exact Sciences
Classification: Uncertain significance for RAI1-related condition. Last evaluated: 2024-02-27. Review status: no assertion criteria provided. Collection method: clinical testing. Allele origin: germline. Not counted in ClinVar's aggregate classification.
Comment: The RAI1 c.3364A>G variant is predicted to result in the amino acid substitution p.Ser1122Gly. To our knowledge, this variant has not been reported in the literature. This variant is reported in 0.0057% of alleles in individuals of Latino descent in gnomAD. At this time, the clinical significance of this variant is uncertain due to the absence of conclusive functional and genetic evidence.